The following is an entry in ClinVar:

ClinVar aggregate classification (germline): Likely benign. Review status: criteria provided, single submitter (1 of 4 stars). 2 submissions from 2 submitters: Likely benign (1). 1 of the submissions does not count toward it. Last evaluated 2022-11-07.

Conditions:
ATP7B-related disorder. Also called: ATP7B-related condition.
Wilson disease (WND). Also called: Wilson's disease. Identifiers: Orphanet 905, MedGen C0019202, MONDO:0010200, OMIM 277900. Disease mechanism: loss of function.

Submissions (2):

Color Diagnostics, LLC DBA Color Health
Classification: Likely benign for Wilson disease. Last evaluated: 2022-11-07. Review status: criteria provided, single submitter. Criteria: ACMG Guidelines, 2015. Collection method: clinical testing. Allele origin: germline.

PreventionGenetics, part of Exact Sciences
Classification: Likely benign for ATP7B-related condition. Last evaluated: 2019-04-24. Review status: no assertion criteria provided. Collection method: clinical testing. Allele origin: germline. Not counted in ClinVar's aggregate classification.
Comment: This variant is classified as likely benign based on ACMG/AMP sequence variant interpretation guidelines (Richards et al. 2015 PMID: 25741868, with internal and published modifications).

NM_000053.4(ATP7B):c.3846G>C (p.Val1282=)

Gene: ATP7B (ATPase copper transporting beta; minus strand). Cytogenetic location: 13q14.3.
Variant type: single nucleotide variant.
Coding change: c.3846G>C on transcript NM_000053.4 (MANE Select); coding-DNA position 3846, G replaced by C.
Protein change: p.Val1282=; no amino-acid change (valine 1282 retained).
Molecular consequence: synonymous variant. On other transcripts: intron variant (1).
Genome position (GRCh38, 1-based): chr13:51,937,533, C>G on the plus strand (G>C on the coding strand, the complement: ATP7B is on the minus strand). VCF-style: chr13-51937533-C-G. GRCh37 (hg19) VCF-style: chr13-52511669-C-G.
Other names: c.3225G>C, p.Val1075= (NM_001005918.3); c.3513G>C, p.Val1171= (NM_001243182.2); c.3612G>C, p.Val1204= (NM_001330578.2, NM_001406527.1, NM_001406528.1); c.3594G>C, p.Val1198= (NM_001330579.2, NM_001406531.1, NM_001406532.1); c.3846G>C, p.Val1282= (NM_001406511.1, NM_001406512.1); c.3840G>C, p.Val1280= (NM_001406513.1); c.3813G>C, p.Val1271= (NM_001406514.1); c.3792G>C, p.Val1264= (NM_001406515.1, NM_001406516.1); and 21 more.
Identifiers: ClinVar variation 3058458 (VCV003058458.3), dbSNP rs2138576150, ClinGen allele CA484024306.